The following is an entry in ClinVar:

ClinVar aggregate classification (germline): Uncertain significance. Review status: criteria provided, multiple submitters, no conflicts (2 of 4 stars). 2 submissions from 2 submitters: Uncertain significance (2). Last evaluated 2025-04-24.

Allele frequency attached by ClinVar (database versions not stated): gnomAD 0.00017; TOPMed 0.00017; gnomAD exomes 0.00031; ESP Exome Variant Server 0.00015; ExAC 0.00022.

Submissions (2):

Labcorp Genetics (formerly Invitae), Labcorp
Classification: Uncertain significance. Last evaluated: 2025-04-24. Review status: criteria provided, single submitter. Criteria: Invitae Variant Classification Sherloc (09022015). Collection method: clinical testing. Allele origin: germline.
Comment: This sequence change replaces glutamic acid, which is acidic and polar, with glycine, which is neutral and non-polar, at codon 614 of the CLPX protein (p.Glu614Gly). This variant is present in population databases (rs142389897, gnomAD 0.03%), and has an allele count higher than expected for a pathogenic variant. This variant has not been reported in the literature in individuals affected with CLPX-related conditions. ClinVar contains an entry for this variant (Variation ID: 2460558). Invitae Evidence Modeling of protein sequence and biophysical properties (such as structural, functional, and spatial information, amino acid conservation, physicochemical variation, residue mobility, and thermodynamic stability) indicates that this missense variant is not expected to disrupt CLPX protein function with a negative predictive value of 80%. In summary, the available evidence is currently insufficient to determine the role of this variant in disease. Therefore, it has been classified as a Variant of Uncertain Significance.

Ambry Genetics
Classification: Uncertain significance. Last evaluated: 2025-02-15. Review status: criteria provided, single submitter. Criteria: Ambry Variant Classification Scheme 2023. Collection method: clinical testing. Allele origin: germline.

NM_006660.5(CLPX):c.1841A>G (p.Glu614Gly)

Gene: CLPX (caseinolytic mitochondrial matrix peptidase chaperone subunit X; minus strand). Cytogenetic location: 15q22.31.
Variant type: single nucleotide variant.
Coding change: c.1841A>G on transcript NM_006660.5 (MANE Select); coding-DNA position 1841, A replaced by G.
Protein change: p.Glu614Gly; replaces glutamic acid 614 with glycine.
Molecular consequence: missense variant. On other transcripts: non-coding transcript variant (1).
Genome position (GRCh38, 1-based): chr15:65,150,884, T>C on the plus strand (A>G on the coding strand, the complement: CLPX is on the minus strand). VCF-style: chr15-65150884-T-C. GRCh37 (hg19) VCF-style: chr15-65443222-T-C.
Other names: short protein forms E614G.
Identifiers: ClinVar variation 2460558 (VCV002460558.5), dbSNP rs142389897, ClinGen allele CA7614544.